The following is an entry in ClinVar:

NM_017934.7(PHIP):c.5132G>A (p.Arg1711His)

Genes: IRAK1BP1 (interleukin 1 receptor associated kinase 1 binding protein 1; plus strand), PHIP (PHIP subunit of CUL4-Ring ligase complex; minus strand). Cytogenetic location: 6q14.1.
Variant type: single nucleotide variant.
Coding change: c.5132G>A on transcript NM_017934.7 (MANE Select); coding-DNA position 5132, G replaced by A.
Protein change: p.Arg1711His; replaces arginine 1711 with histidine.
Molecular consequence: missense variant.
Genome position (GRCh38, 1-based): chr6:78,941,027, C>T on the plus strand (G>A on the coding strand, the complement: PHIP is on the minus strand). VCF-style: chr6-78941027-C-T. GRCh37 (hg19) VCF-style: chr6-79650744-C-T.
Other names: c.5132G>A (NM_017934.6); short protein forms R1711H.
Identifiers: ClinVar variation 2560246 (VCV002560246.3), dbSNP rs774746332, ClinGen allele CA364633195.

ClinVar aggregate classification (germline): Uncertain significance. Review status: criteria provided, single submitter (1 of 4 stars). 2 submissions from 2 submitters: Uncertain significance (1). 1 of the submissions does not count toward it. Last evaluated 2023-06-14.

Conditions:
PHIP-related disorder. Also called: PHIP-related disorders; PHIP-related condition.
Inborn genetic diseases. Identifiers: MedGen C0950123, MeSH D030342.

Submissions (2):

Ambry Genetics
Classification: Uncertain significance for Inborn genetic diseases. Last evaluated: 2023-06-14. Review status: criteria provided, single submitter. Criteria: Ambry Variant Classification Scheme 2023. Collection method: clinical testing. Allele origin: germline.

PreventionGenetics, part of Exact Sciences
Classification: Uncertain significance for PHIP-related condition. Last evaluated: 2024-04-25. Review status: no assertion criteria provided. Collection method: clinical testing. Allele origin: germline. Not counted in ClinVar's aggregate classification.
Comment: The PHIP c.5132G>A variant is predicted to result in the amino acid substitution p.Arg1711His. To our knowledge, this variant has not been reported in the literature or in a large population database, indicating this variant is rare. At this time, the clinical significance of this variant is uncertain due to the absence of conclusive functional and genetic evidence.